The following is an entry in ClinVar:

NM_001029896.2(WDR45):c.99C>T (p.Asn33=)

Genes: WDR45 (WD repeat domain 45; minus strand), LOC126863256 (BRD4-independent group 4 enhancer GRCh37_chrX:48934848-48936047; plus strand). Cytogenetic location: Xp11.23.
Variant type: single nucleotide variant.
Coding change: c.99C>T on transcript NM_001029896.2 (MANE Select); coding-DNA position 99, C replaced by T.
Protein change: p.Asn33=; no amino-acid change (asparagine 33 retained).
Molecular consequence: synonymous variant.
Genome position (GRCh38, 1-based): chrX:49,077,868, G>A on the plus strand (C>T on the coding strand, the complement: WDR45 is on the minus strand). VCF-style: chrX-49077868-G-A. GRCh37 (hg19) VCF-style: chrX-48935527-G-A.
Other names: c.99C>T, p.Asn33= (NM_007075.4).
Identifiers: ClinVar variation 1152849 (VCV001152849.23), dbSNP rs139817760, ClinGen allele CA10408622.

ClinVar aggregate classification (germline): Likely benign. Review status: criteria provided, multiple submitters, no conflicts (2 of 4 stars). 4 submissions from 4 submitters: Likely benign (3). 1 of the submissions does not count toward it. Last evaluated 2025-08-15.

Conditions:
WDR45-related disorder. Also called: WDR45-related condition.
Neurodegeneration with brain iron accumulation 5 (NBIA5). Also called: Beta-propeller protein-associated neurodegeneration; STATIC ENCEPHALOPATHY OF CHILDHOOD WITH NEURODEGENERATION IN ADULTHOOD. Identifiers: Orphanet 329284, MedGen C3550973, MONDO:0010476, OMIM 300894.

Allele frequency attached by ClinVar (database versions not stated): gnomAD 0.00005; ExAC 0.00006; gnomAD exomes 0.00008 and 0.00015; TOPMed 0.00008; ESP Exome Variant Server 0.00009.
gnomAD v4.1: 167 of 1,210,574 alleles (0.014%); highest among the groups gnomAD compares: Non-Finnish European, 0.018%; no homozygotes.

Submissions (4):

Labcorp Genetics (formerly Invitae), Labcorp
Classification: Likely benign for Neurodegeneration with brain iron accumulation 5. Last evaluated: 2025-08-15. Review status: criteria provided, single submitter. Criteria: Invitae Variant Classification Sherloc (09022015). Collection method: clinical testing. Allele origin: germline.

CeGaT Center for Human Genetics Tuebingen
Classification: Likely benign. Last evaluated: 2025-07-01. Review status: criteria provided, single submitter. Criteria: CeGaT Center For Human Genetics Tuebingen Variant Classification Criteria Version 2. Collection method: clinical testing. Allele origin: germline. Affected: yes. Observed: 1 variant allele.
Comment: ENSG00000294702: BS2; WDR45: BP4, BP7, BS2

Genetic Services Laboratory, University of Chicago
Classification: Likely benign. Last evaluated: 2020-10-12. Review status: criteria provided, single submitter. Criteria: ACMG Guidelines, 2015. Collection method: clinical testing. Allele origin: germline. Affected: no.

PreventionGenetics, part of Exact Sciences
Classification: Likely benign for WDR45-related condition. Last evaluated: 2019-08-09. Review status: no assertion criteria provided. Collection method: clinical testing. Allele origin: germline. Not counted in ClinVar's aggregate classification.
Comment: This variant is classified as likely benign based on ACMG/AMP sequence variant interpretation guidelines (Richards et al. 2015 PMID: 25741868, with internal and published modifications).